The following is an entry in ClinVar:

NM_000642.3(AGL):c.3707_3714dup (p.Ala1239delinsIleTer)

Gene: AGL (amylo-alpha-1,6-glucosidase and 4-alpha-glucanotransferase; plus strand). Cytogenetic location: 1p21.2.
Variant type: Duplication.
Coding change: c.3707_3714dup on transcript NM_000642.3 (MANE Select); coding-DNA positions 3707 to 3714, 8 bases duplicated (ATATAACT; older notation c.3707_3714dupATATAACT).
Protein change: p.Ala1239delinsIleTer.
Molecular consequence: nonsense. On other transcripts: frameshift variant (10).
Genome position (GRCh38, 1-based): chr1:99,910,718-99,910,725, ATATAACT duplicated. VCF-style (leftmost placement, unchanged base first): chr1-99910717-A-AATATAACT. GRCh37 (hg19) VCF-style: chr1-100376273-A-AATATAACT.
Other names: c.3707_3714dup, p.Ala1239Ilefs (NM_000028.3, NM_000643.3, NM_000644.3 and 1 more transcripts); c.3659_3666dup, p.Ala1223Ilefs (NM_000646.3); c.3686_3693dup, p.Ala1232Ilefs (NM_001425326.1); c.3506_3513dup, p.Ala1172Ilefs (NM_001425327.1); c.3503_3510dup, p.Ala1171Ilefs (NM_001425328.1); c.3368_3375dup, p.Ala1126Ilefs (NM_001425329.1); c.3329_3336dup, p.Ala1113Ilefs (NM_001425332.1).
Identifiers: ClinVar variation 1406433 (VCV001406433.6), dbSNP rs752425529, ClinGen allele CA967198.

ClinVar aggregate classification (germline): Pathogenic (1 of 4 stars; one submission).

Conditions:
Glycogen storage disease type III (GSD3). Also called: Cori disease; FORBES DISEASE. Identifiers: Orphanet 366, MedGen C0017922, MONDO:0009291, OMIM 232400.

Allele frequency attached by ClinVar (database versions not stated): gnomAD exomes below 0.00001; ExAC 0.00001.

Submission:

Labcorp Genetics (formerly Invitae), Labcorp
Classification: Pathogenic for Glycogen storage disease type III. Last evaluated: 2021-08-07. Review status: criteria provided, single submitter. Criteria: Invitae Variant Classification Sherloc (09022015). Collection method: clinical testing. Allele origin: germline.
Comment: For these reasons, this variant has been classified as Pathogenic. This variant has not been reported in the literature in individuals affected with AGL-related conditions. The frequency data for this variant in the population databases is considered unreliable, as metrics indicate poor data quality at this position in the ExAC database. This sequence change creates a premature translational stop signal (p.Ala1239Ilefs*2) in the AGL gene. It is expected to result in an absent or disrupted protein product. Loss-of-function variants in AGL are known to be pathogenic (PMID: 19299494).

Literature cited by the submitters: PubMed 19299494.